The following is an entry in ClinVar:

NM_001322934.2(NFKB2):c.2635A>C (p.Lys879Gln)

Gene: NFKB2 (nuclear factor kappa B subunit 2; plus strand). Cytogenetic location: 10q24.32.
Variant type: single nucleotide variant.
Coding change: c.2635A>C on transcript NM_001322934.2 (MANE Select); coding-DNA position 2635, A replaced by C.
Protein change: p.Lys879Gln; replaces lysine 879 with glutamine.
Molecular consequence: missense variant.
Genome position (GRCh38, 1-based): chr10:102,402,308, A>C. VCF-style: chr10-102402308-A-C. GRCh37 (hg19) VCF-style: chr10-104162065-A-C.
Other names: c.2632A>C, p.Lys878Gln (NM_001077493.1, NM_001261403.3, NM_001288724.1 and 1 more transcripts); c.2635A>C, p.Lys879Gln (NM_001077494.3); c.2509A>C, p.Lys837Gln (NM_001322935.1); short protein forms K837Q, K878Q, K879Q.
Identifiers: ClinVar variation 2067245 (VCV002067245.4), dbSNP rs2544607166, ClinGen allele CA377906416.

ClinVar aggregate classification (germline): Uncertain significance (1 of 4 stars; one submission).

Conditions:
Immunodeficiency, common variable, 10. Also called: IMMUNODEFICIENCY, COMMON VARIABLE, WITH CENTRAL ADRENAL INSUFFICIENCY; DEFICIT IN ANTERIOR PITUITARY FUNCTION AND VARIABLE IMMUNODEFICIENCY. Identifiers: MedGen C3809991, MONDO:0014260, OMIM 615577.

Submission:

Labcorp Genetics (formerly Invitae), Labcorp
Classification: Uncertain significance for Immunodeficiency, common variable, 10. Last evaluated: 2021-12-30. Review status: criteria provided, single submitter. Criteria: Invitae Variant Classification Sherloc (09022015). Collection method: clinical testing. Allele origin: germline.
Comment: In summary, the available evidence is currently insufficient to determine the role of this variant in disease. Therefore, it has been classified as a Variant of Uncertain Significance. Algorithms developed to predict the effect of missense changes on protein structure and function (SIFT, PolyPhen-2, Align-GVGD) all suggest that this variant is likely to be tolerated. This variant has not been reported in the literature in individuals affected with NFKB2-related conditions. This variant is not present in population databases (gnomAD no frequency). This sequence change replaces lysine, which is basic and polar, with glutamine, which is neutral and polar, at codon 879 of the NFKB2 protein (p.Lys879Gln).